The following is an entry in ClinVar:

NM_001164277.2(SLC37A4):c.1175G>T (p.Ser392Ile)

Gene: SLC37A4 (solute carrier family 37 member 4; minus strand). Cytogenetic location: 11q23.3.
Variant type: single nucleotide variant.
Coding change: c.1175G>T on transcript NM_001164277.2 (MANE Select); coding-DNA position 1175, G replaced by T.
Protein change: p.Ser392Ile; replaces serine 392 with isoleucine.
Molecular consequence: missense variant.
Genome position (GRCh38, 1-based): chr11:119,025,025, C>A on the plus strand (G>T on the coding strand, the complement: SLC37A4 is on the minus strand). VCF-style: chr11-119025025-C-A. GRCh37 (hg19) VCF-style: chr11-118895735-C-A.
Other names: c.1241G>T, p.Ser414Ile (NM_001164278.2); c.956G>T, p.Ser319Ile (NM_001164279.2); c.1175G>T, p.Ser392Ile (NM_001164280.2, NM_001467.6); short protein forms S319I, S392I, S414I.
Identifiers: ClinVar variation 5003694 (VCV005003694.1).

ClinVar aggregate classification (germline): Uncertain significance (1 of 4 stars; one submission).

Conditions:
Glycogen storage disease, type I. Identifiers: Orphanet 364, MedGen C0017920, MONDO:0002413.

Submission:

Myriad Genetics, Inc.
Classification: Uncertain significance for Glycogen storage disease, type I. Last evaluated: 2025-12-26. Review status: criteria provided, single submitter. Criteria: Myriad Autosomal Dominant, Autosomal Recessive and X-Linked Classification Criteria (2023). Collection method: clinical testing. Allele origin: unknown.
Comment: NM_001164277.1(SLC37A4):c.1175G>T(S392I) is a missense variant classified as a variant of uncertain significance in the context of glycogen storage disease type Ib. S392I has not been observed in cases with relevant disease. Relevant functional assessments of this variant are not available in the literature. S392I has been observed in referenced population frequency databases. In summary, there is insufficient evidence to classify NM_001164277.1(SLC37A4):c.1175G>T(S392I) as pathogenic or benign. Please note: this variant was assessed in the context of healthy population screening.